The following is an entry in ClinVar:

ClinVar aggregate classification (germline): Uncertain significance (1 of 4 stars; one submission).

Allele frequency attached by ClinVar (database versions not stated): gnomAD exomes below 0.00001.
gnomAD v4.1: 2 of 1,612,352 alleles (0.00012%); highest among the groups gnomAD compares: Non-Finnish European, 0.00017%; no homozygotes.

Submission:

Labcorp Genetics (formerly Invitae), Labcorp
Classification: Uncertain significance. Last evaluated: 2024-01-25. Review status: criteria provided, single submitter. Criteria: Invitae Variant Classification Sherloc (09022015). Collection method: clinical testing. Allele origin: germline.
Comment: This sequence change replaces alanine, which is neutral and non-polar, with threonine, which is neutral and polar, at codon 22 of the NOG protein (p.Ala22Thr). This variant is not present in population databases (gnomAD no frequency). This variant has not been reported in the literature in individuals affected with NOG-related conditions. An algorithm developed to predict the effect of missense changes on protein structure and function (PolyPhen-2) suggests that this variant is likely to be tolerated. In summary, the available evidence is currently insufficient to determine the role of this variant in disease. Therefore, it has been classified as a Variant of Uncertain Significance.

NM_005450.6(NOG):c.64G>A (p.Ala22Thr)

Gene: NOG (noggin; plus strand). Cytogenetic location: 17q22.
Variant type: single nucleotide variant.
Coding change: c.64G>A on transcript NM_005450.6 (MANE Select); coding-DNA position 64, G replaced by A.
Protein change: p.Ala22Thr; replaces alanine 22 with threonine.
Molecular consequence: missense variant.
Genome position (GRCh38, 1-based): chr17:56,594,287, G>A. VCF-style: chr17-56594287-G-A. GRCh37 (hg19) VCF-style: chr17-54671648-G-A.
Other names: short protein forms A22T.
Identifiers: ClinVar variation 2841276 (VCV002841276.3), dbSNP rs2545137364, ClinGen allele CA399964156.